The following is an entry in ClinVar:

ClinVar aggregate classification (germline): Pathogenic (1 of 4 stars; one submission).

Conditions:
Familial hemophagocytic lymphohistiocytosis 3 (FHL3). Also called: UNC13D-Related Familial Hemophagocytic Lymphohistiocytosis (UNC13D-fHLH). Identifiers: Orphanet 540, MedGen C1837174, MONDO:0012146, OMIM 608898.

Submission:

Labcorp Genetics (formerly Invitae), Labcorp
Classification: Pathogenic for Familial hemophagocytic lymphohistiocytosis 3. Last evaluated: 2025-08-26. Review status: criteria provided, single submitter. Criteria: Invitae Variant Classification Sherloc (09022015). Collection method: clinical testing. Allele origin: germline.
Comment: This sequence change creates a premature translational stop signal (p.Pro425Glnfs*17) in the UNC13D gene. It is expected to result in an absent or disrupted protein product. Loss-of-function variants in UNC13D are known to be pathogenic (PMID: 14622600). This variant is not present in population databases (gnomAD no frequency). This variant has not been reported in the literature in individuals affected with UNC13D-related conditions. For these reasons, this variant has been classified as Pathogenic.

Literature cited by the submitters: PubMed 14622600.

NM_199242.3(UNC13D):c.1274del (p.Pro425fs)

Gene: UNC13D (unc-13 homolog D; minus strand). Cytogenetic location: 17q25.1.
Variant type: Deletion.
Coding change: c.1274del on transcript NM_199242.3 (MANE Select); coding-DNA position 1274, one base deleted (C; older notation c.1274delC).
Protein change: p.Pro425fs; shifts the reading frame from proline 425.
Molecular consequence: frameshift variant.
Genome position (GRCh38, 1-based): chr17:75,836,596, G deleted on the plus strand (C on the coding strand, the reverse complement: UNC13D is on the minus strand); the first of 4 consecutive G bases (chr17:75,836,596-75,836,599); deleting any one gives the same sequence. VCF-style (leftmost placement, unchanged base first): chr17-75836595-TG-T. GRCh37 (hg19) VCF-style: chr17-73832676-TG-T.
Other names: short protein forms P425fs.
Identifiers: ClinVar variation 4744205 (VCV004744205.1).